The following is an entry in ClinVar:

ClinVar aggregate classification (germline): Uncertain significance. Review status: criteria provided, multiple submitters, no conflicts (2 of 4 stars). 2 submissions from 2 submitters: Uncertain significance (2). Last evaluated 2025-12-15.

Conditions:
Cohen syndrome (COH1). Also called: Cutis verticis gyrata, retinitis pigmentosa, and sensorineural deafness; PEPPER SYNDROME. Identifiers: Orphanet 193, MedGen C0265223, MONDO:0008999, OMIM 216550.
Inborn genetic diseases. Identifiers: MedGen C0950123, MeSH D030342.

Allele frequency attached by ClinVar (database versions not stated): gnomAD exomes 0.00001.
gnomAD v4.1: 11 of 1,613,422 alleles (0.00068%); highest among the groups gnomAD compares: Non-Finnish European, 0.00076%; no homozygotes.

Submissions (2):

Ambry Genetics
Classification: Uncertain significance for Inborn genetic diseases. Last evaluated: 2025-12-15. Review status: criteria provided, single submitter. Criteria: Ambry Variant Classification Scheme 2023. Collection method: clinical testing. Allele origin: germline.

Labcorp Genetics (formerly Invitae), Labcorp
Classification: Uncertain significance for Cohen syndrome. Last evaluated: 2022-06-13. Review status: criteria provided, single submitter. Criteria: Invitae Variant Classification Sherloc (09022015). Collection method: clinical testing. Allele origin: germline.
Comment: In summary, the available evidence is currently insufficient to determine the role of this variant in disease. Therefore, it has been classified as a Variant of Uncertain Significance. Algorithms developed to predict the effect of missense changes on protein structure and function output the following: SIFT: "Not Available"; PolyPhen-2: "Benign"; Align-GVGD: "Not Available". The asparagine amino acid residue is found in multiple mammalian species, which suggests that this missense change does not adversely affect protein function. This variant has not been reported in the literature in individuals affected with VPS13B-related conditions. This variant is not present in population databases (gnomAD no frequency). This sequence change replaces aspartic acid, which is acidic and polar, with asparagine, which is neutral and polar, at codon 2955 of the VPS13B protein (p.Asp2955Asn).

NM_152564.5(VPS13B):c.8788G>A (p.Asp2930Asn)

Gene: VPS13B (vacuolar protein sorting 13 homolog B; plus strand). Cytogenetic location: 8q22.2.
Variant type: single nucleotide variant.
Coding change: c.8788G>A on transcript NM_152564.5 (MANE Select); coding-DNA position 8788, G replaced by A.
Protein change: p.Asp2930Asn; replaces aspartic acid 2930 with asparagine.
Molecular consequence: missense variant.
Genome position (GRCh38, 1-based): chr8:99,819,578, G>A. VCF-style: chr8-99819578-G-A. GRCh37 (hg19) VCF-style: chr8-100831806-G-A.
Other names: c.8863G>A, p.Asp2955Asn (NM_017890.5); c.8863G>A (NM_017890.3); short protein forms D2930N, D2955N.
Identifiers: ClinVar variation 1513712 (VCV001513712.8), dbSNP rs2130816418, ClinGen allele CA371776738.